The following is an entry in ClinVar:

NM_012062.5(DNM1L):c.787C>T (p.Arg263Cys)

Gene: DNM1L (dynamin 1 like; plus strand). Cytogenetic location: 12p11.21.
Variant type: single nucleotide variant.
Coding change: c.787C>T on transcript NM_012062.5 (MANE Select); coding-DNA position 787, C replaced by T.
Protein change: p.Arg263Cys; replaces arginine 263 with cysteine.
Molecular consequence: missense variant.
Genome position (GRCh38, 1-based): chr12:32,720,710, C>T. VCF-style: chr12-32720710-C-T. GRCh37 (hg19) VCF-style: chr12-32873644-C-T.
Other names: c.787C>T, p.Arg263Cys (NM_001278463.2, NM_005690.5, NM_012063.4); c.826C>T, p.Arg276Cys (NM_001278464.2, NM_001278465.2, NM_001330380.2); c.178C>T, p.Arg60Cys (NM_001278466.2); short protein forms R263C, R276C, R60C.
Identifiers: ClinVar variation 3670647 (VCV003670647.2).

ClinVar aggregate classification (germline): Uncertain significance (1 of 4 stars; one submission).

Submission:

Labcorp Genetics (formerly Invitae), Labcorp
Classification: Uncertain significance. Last evaluated: 2026-01-13. Review status: criteria provided, single submitter. Criteria: Invitae Variant Classification Sherloc (09022015). Collection method: clinical testing. Allele origin: germline.
Comment: This sequence change replaces arginine, which is basic and polar, with cysteine, which is neutral and slightly polar, at codon 263 of the DNM1L protein (p.Arg263Cys). This variant is present in population databases (rs778277609, gnomAD 0.0009%). This variant has not been reported in the literature in individuals affected with DNM1L-related conditions. ClinVar contains an entry for this variant (Variation ID: 3670647). An algorithm developed to predict the effect of missense changes on protein structure and function (PolyPhen-2) suggests that this variant is likely to be disruptive. In summary, the available evidence is currently insufficient to determine the role of this variant in disease. Therefore, it has been classified as a Variant of Uncertain Significance.